The following is an entry in ClinVar:

ClinVar aggregate classification (germline): Uncertain significance. Review status: criteria provided, multiple submitters, no conflicts (2 of 4 stars). 2 submissions from 2 submitters: Uncertain significance (2). Last evaluated 2024-10-02.

Conditions:
Fanconi anemia (FA). Also called: Fanconi's anemia. Identifiers: Orphanet 84, MedGen C0015625, MeSH D005199, MONDO:0019391.
Inborn genetic diseases. Identifiers: MedGen C0950123, MeSH D030342.

Allele frequency attached by ClinVar (database versions not stated): TOPMed 0.00002.
gnomAD v4.1: 9 of 1,613,686 alleles (0.00056%); highest among the groups gnomAD compares: East Asian, 0.016%; no homozygotes.

Submissions (2):

Ambry Genetics
Classification: Uncertain significance for Inborn genetic diseases. Last evaluated: 2024-10-02. Review status: criteria provided, single submitter. Criteria: Ambry Variant Classification Scheme 2023. Collection method: clinical testing. Allele origin: germline.
Comment: The p.A778T variant (also known as c.2332G>A), located in coding exon 26 of the FANCA gene, results from a G to A substitution at nucleotide position 2332. The alanine at codon 778 is replaced by threonine, an amino acid with similar properties. This amino acid position is conserved. In addition, this alteration is predicted to be tolerated by in silico analysis. Based on the available evidence, the clinical significance of this variant remains unclear.

Labcorp Genetics (formerly Invitae), Labcorp
Classification: Uncertain significance for Fanconi anemia. Last evaluated: 2022-01-19. Review status: criteria provided, single submitter. Criteria: Invitae Variant Classification Sherloc (09022015). Collection method: clinical testing. Allele origin: germline.
Comment: This sequence change replaces alanine, which is neutral and non-polar, with threonine, which is neutral and polar, at codon 778 of the FANCA protein (p.Ala778Thr). This variant is present in population databases (no rsID available, gnomAD 0.006%). This variant has not been reported in the literature in individuals affected with FANCA-related conditions. Advanced modeling of protein sequence and biophysical properties (such as structural, functional, and spatial information, amino acid conservation, physicochemical variation, residue mobility, and thermodynamic stability) performed at Invitae indicates that this missense variant is not expected to disrupt FANCA protein function. In summary, the available evidence is currently insufficient to determine the role of this variant in disease. Therefore, it has been classified as a Variant of Uncertain Significance.

NM_000135.4(FANCA):c.2332G>A (p.Ala778Thr)

Gene: FANCA (FA complementation group A; minus strand). Cytogenetic location: 16q24.3.
Variant type: single nucleotide variant.
Coding change: c.2332G>A on transcript NM_000135.4 (MANE Select); coding-DNA position 2332, G replaced by A.
Protein change: p.Ala778Thr; replaces alanine 778 with threonine.
Molecular consequence: missense variant.
Genome position (GRCh38, 1-based): chr16:89,770,009, C>T on the plus strand (G>A on the coding strand, the complement: FANCA is on the minus strand). VCF-style: chr16-89770009-C-T. GRCh37 (hg19) VCF-style: chr16-89836417-C-T.
Other names: c.2332G>A, p.Ala778Thr (NM_001286167.3); c.2332G>A (NM_000135.2); short protein forms A778T.
Identifiers: ClinVar variation 1417645 (VCV001417645.6), dbSNP rs1242381795, ClinGen allele CA397444601.